The following is an entry in ClinVar:

NM_000306.4(POU1F1):c.658_661dup (p.Ile221fs)

Gene: POU1F1 (POU class 1 homeobox 1; minus strand). Cytogenetic location: 3p11.2.
Variant type: Duplication.
Coding change: c.658_661dup on transcript NM_000306.4 (MANE Select); coding-DNA positions 658 to 661, 4 bases duplicated (ACTA; older notation c.658_661dupACTA).
Protein change: p.Ile221fs; shifts the reading frame from isoleucine 221.
Molecular consequence: frameshift variant.
Genome position (GRCh38, 1-based): chr3:87,261,277-87,261,280, TAGT duplicated on the plus strand (ACTA on the coding strand, the reverse complement: POU1F1 is on the minus strand); duplicating any 4 consecutive bases within chr3:87,261,277-87,261,281 gives the same sequence; the c. name uses the placement nearest the transcript's 3' end. VCF-style (leftmost placement, unchanged base first): chr3-87261276-A-ATAGT. GRCh37 (hg19) VCF-style: chr3-87310426-A-ATAGT.
Other names: c.736_739dup, p.Ile247fs (NM_001122757.3); short protein forms I247fs, I221fs.
Identifiers: ClinVar variation 3640342 (VCV003640342.2).

ClinVar aggregate classification (germline): Pathogenic (1 of 4 stars; one submission).

Submission:

Labcorp Genetics (formerly Invitae), Labcorp
Classification: Pathogenic. Last evaluated: 2024-02-12. Review status: criteria provided, single submitter. Criteria: Invitae Variant Classification Sherloc (09022015). Collection method: clinical testing. Allele origin: germline.
Comment: This sequence change creates a premature translational stop signal (p.Ile221Asnfs*7) in the POU1F1 gene. While this is not anticipated to result in nonsense mediated decay, it is expected to disrupt the last 71 amino acid(s) of the POU1F1 protein. This variant is not present in population databases (gnomAD no frequency). This variant has not been reported in the literature in individuals affected with POU1F1-related conditions. This variant disrupts a region of the POU1F1 protein in which other variant(s) (p.Arg265Trp) have been determined to be pathogenic (PMID: 22010633, 27541381, 33742319). This suggests that this is a clinically significant region of the protein, and that variants that disrupt it are likely to be disease-causing. For these reasons, this variant has been classified as Pathogenic.

Literature cited by the submitters: PubMed 22010633; PubMed 27541381; PubMed 33742319.